The following is an entry in ClinVar:

NM_133448.3(TMEM132D):c.1443+6T>C

Genes: TMEM132D (transmembrane protein 132D; minus strand), TMEM132D-AS2 (TMEM132D antisense RNA 2; plus strand). Cytogenetic location: 12q24.33.
Variant type: single nucleotide variant.
Coding change: c.1443+6T>C on transcript NM_133448.3 (MANE Select); 6 bases into the intron after coding-DNA position 1443, T replaced by C.
Molecular consequence: intron variant.
Genome position (GRCh38, 1-based): chr12:129,209,514, A>G on the plus strand (T>C on the coding strand, the complement: TMEM132D is on the minus strand). VCF-style: chr12-129209514-A-G. GRCh37 (hg19) VCF-style: chr12-129694059-A-G.
Identifiers: ClinVar variation 3034662 (VCV003034662.2), dbSNP rs762639339, ClinGen allele CA6876082.

ClinVar aggregate classification (germline): Likely benign (0 of 4 stars; one submission).

Conditions:
TMEM132D-related disorder. Also called: TMEM132D-related condition.

Allele frequency attached by ClinVar (database versions not stated): TOPMed 0.00003.
gnomAD v4.1: 69 of 1,613,512 alleles (0.0043%); highest among the groups gnomAD compares: Non-Finnish European, 0.0054%; no homozygotes.

Submission:

PreventionGenetics, part of Exact Sciences
Classification: Likely benign for TMEM132D-related condition. Last evaluated: 2019-04-08. Review status: no assertion criteria provided. Collection method: clinical testing. Allele origin: germline.
Comment: This variant is classified as likely benign based on ACMG/AMP sequence variant interpretation guidelines (Richards et al. 2015 PMID: 25741868, with internal and published modifications).